The following is an entry in ClinVar:

ClinVar aggregate classification (germline): Pathogenic (1 of 4 stars; one submission).

Conditions:
Tuberous sclerosis 1 (TSC1). Identifiers: Orphanet 805, MedGen C1854465, MONDO:0008612, OMIM 191100.

Submission:

Labcorp Genetics (formerly Invitae), Labcorp
Classification: Pathogenic for Tuberous sclerosis 1. Last evaluated: 2024-08-08. Review status: criteria provided, single submitter. Criteria: Invitae Variant Classification Sherloc (09022015). Collection method: clinical testing. Allele origin: germline.
Comment: This sequence change creates a premature translational stop signal (p.Met18Cysfs*8) in the TSC1 gene. It is expected to result in an absent or disrupted protein product. Loss-of-function variants in TSC1 are known to be pathogenic (PMID: 10227394, 17304050). This variant is not present in population databases (gnomAD no frequency). This variant has not been reported in the literature in individuals affected with TSC1-related conditions. For these reasons, this variant has been classified as Pathogenic.

Literature cited by the submitters: PubMed 10227394; PubMed 17304050.

NM_000368.5(TSC1):c.51del (p.Met18fs)

Gene: TSC1 (TSC complex subunit 1; minus strand). Cytogenetic location: 9q34.13.
Variant type: Deletion.
Coding change: c.51del on transcript NM_000368.5 (MANE Select); coding-DNA position 51, one base deleted (C; older notation c.51delC).
Protein change: p.Met18fs; shifts the reading frame from methionine 18.
Molecular consequence: frameshift variant. On other transcripts: 5 prime UTR variant (16), non-coding transcript variant (5), intron variant (2).
Genome position (GRCh38, 1-based): chr9:132,928,822, G deleted on the plus strand (C on the coding strand, the reverse complement: TSC1 is on the minus strand); the first of 5 consecutive G bases (chr9:132,928,822-132,928,826); deleting any one gives the same sequence. VCF-style (leftmost placement, unchanged base first): chr9-132928821-TG-T. GRCh37 (hg19) VCF-style: chr9-135804208-TG-T.
Other names: c.51del, p.Met18fs (NM_001162426.2, NM_001162427.2, NM_001406592.1 and 21 more transcripts); c.-209del (NM_001362177.2, NM_001406617.1, NM_001406619.1 and 3 more transcripts); c.-301del (NM_001406614.1); c.-438del (NM_001406615.1, NM_001406623.1); c.-405del (NM_001406616.1, NM_001406624.1); c.-827del (NM_001406626.1, NM_001406627.1, NM_001406628.1); c.-969del (NM_001406629.1); c.-1043del (NM_001406630.1); and 1 more; short protein forms M18fs.
Identifiers: ClinVar variation 3655119 (VCV003655119.2).